The following is an entry in ClinVar:

ClinVar aggregate classification (germline): Pathogenic. Review status: criteria provided, single submitter (1 of 4 stars). 3 submissions from 3 submitters: Pathogenic (1). 2 of the submissions do not count toward it. Last evaluated 2024-02-14.

Conditions:
Primary hyperoxaluria, type I (HP1). Also called: GLYCOLIC ACIDURIA; HEPATIC AGT DEFICIENCY; OXALOSIS I; Primary hyperoxaluria type 1. Identifiers: Orphanet 416, Orphanet 93598, MedGen C0268164, MONDO:0009823, OMIM 259900. Disease mechanism: loss of function.

Allele frequency attached by ClinVar (database versions not stated): TOPMed below 0.00001; gnomAD 0.00001.
gnomAD v4.1: 7 of 1,550,848 alleles (0.00045%); highest among the groups gnomAD compares: Non-Finnish European, 0.00061%; no homozygotes.

Submissions (3):

Labcorp Genetics (formerly Invitae), Labcorp
Classification: Pathogenic. Last evaluated: 2024-02-14. Review status: criteria provided, single submitter. Criteria: Invitae Variant Classification Sherloc (09022015). Collection method: clinical testing. Allele origin: germline.
Comment: This sequence change creates a premature translational stop signal (p.Gln303*) in the AGXT gene. It is expected to result in an absent or disrupted protein product. Loss-of-function variants in AGXT are known to be pathogenic (PMID: 19479957). This variant is not present in population databases (gnomAD no frequency). This premature translational stop signal has been observed in individual(s) with primary hyperoxaluria (PMID: 17460142). ClinVar contains an entry for this variant (Variation ID: 204137). For these reasons, this variant has been classified as Pathogenic.

Counsyl
Classification: Likely pathogenic for Primary hyperoxaluria, type I. Last evaluated: 2016-11-02. Review status: no assertion criteria provided. Collection method: clinical testing. Allele origin: unknown. Not counted in ClinVar's aggregate classification.

Clinical Biochemistry Laboratory, Health Services Laboratory
Classification: Pathogenic for Primary hyperoxaluria, type I. Last evaluated: 2014-11-27. Review status: no assertion criteria provided. Collection method: research. Allele origin: germline. Affected: yes. Not counted in ClinVar's aggregate classification.

Literature cited by the submitters: PubMed 19479957 (cited by Labcorp Genetics (formerly Invitae), Labcorp); PubMed 17460142 (cited by 3 submitters).

NM_000030.3(AGXT):c.907C>T (p.Gln303Ter)

Gene: AGXT (alanine--glyoxylate aminotransferase; plus strand). Cytogenetic location: 2q37.3.
Variant type: single nucleotide variant.
Coding change: c.907C>T on transcript NM_000030.3 (MANE Select); coding-DNA position 907, C replaced by T.
Protein change: p.Gln303Ter; replaces glutamine 303 with a stop codon.
Molecular consequence: nonsense.
Genome position (GRCh38, 1-based): chr2:240,877,597, C>T. VCF-style: chr2-240877597-C-T. GRCh37 (hg19) VCF-style: chr2-241817014-C-T.
Other names: short protein forms Q303*.
Identifiers: ClinVar variation 204137 (VCV000204137.8), dbSNP rs180177294, ClinGen allele CA275759.